The following is an entry in ClinVar:

NM_001365999.1(SZT2):c.7271CCCCTG[3] (p.Ala2426_Pro2427dup)

Gene: SZT2 (SZT2 subunit of KICSTOR complex; plus strand). Cytogenetic location: 1p34.2.
Variant type: Microsatellite.
Coding change: c.7271CCCCTG[3] on transcript NM_001365999.1 (MANE Select); three copies in a row of the 6-base unit CCCCTG starting at c.7271; the reference has two copies in a row; one copy, 6 bases duplicated.
Protein change: p.Ala2426_Pro2427dup.
Molecular consequence: inframe insertion.
Genome position (GRCh38, 1-based): chr1:43,440,519-43,440,524, CCCCTG duplicated; duplicating any 6 consecutive bases within chr1:43,440,513-43,440,524 gives the same sequence; the position shown is the placement nearest the transcript's 3' end. VCF-style (leftmost placement, unchanged base first): chr1-43440512-C-CCCCCTG. GRCh37 (hg19) VCF-style: chr1-43906183-C-CCCCCTG.
Other names: c.7106_7111dup (NM_015284.3); c.7100CCCCTG[3], p.Ala2369_Pro2370dup (NM_015284.4).
Identifiers: ClinVar variation 656080 (VCV000656080.8), dbSNP rs755510077, ClinGen allele CA810174.

ClinVar aggregate classification (germline): Uncertain significance (1 of 4 stars; one submission).

Submission:

Labcorp Genetics (formerly Invitae), Labcorp
Classification: Uncertain significance. Last evaluated: 2022-07-19. Review status: criteria provided, single submitter. Criteria: Invitae Variant Classification Sherloc (09022015). Collection method: clinical testing. Allele origin: germline.
Comment: This variant, c.7106_7111dup, results in the insertion of 2 amino acid(s) of the SZT2 protein (p.Ala2369_Pro2370dup), but otherwise preserves the integrity of the reading frame. This variant is present in population databases (rs755510077, gnomAD 0.03%). This variant has not been reported in the literature in individuals affected with SZT2-related conditions. ClinVar contains an entry for this variant (Variation ID: 656080). Experimental studies and prediction algorithms are not available or were not evaluated, and the functional significance of this variant is currently unknown. In summary, the available evidence is currently insufficient to determine the role of this variant in disease. Therefore, it has been classified as a Variant of Uncertain Significance.